The following is an entry in ClinVar:

NM_001008212.2(OPTN):c.1457A>G (p.His486Arg)

Gene: OPTN (optineurin; plus strand). Cytogenetic location: 10p13.
Variant type: single nucleotide variant.
Coding change: c.1457A>G on transcript NM_001008212.2 (MANE Select); coding-DNA position 1457, A replaced by G.
Protein change: p.His486Arg; replaces histidine 486 with arginine.
Molecular consequence: missense variant.
Genome position (GRCh38, 1-based): chr10:13,132,122, A>G. VCF-style: chr10-13132122-A-G. GRCh37 (hg19) VCF-style: chr10-13174122-A-G.
Other names: c.1457A>G, p.His486Arg (NM_001008211.1, NM_001008213.1, NM_021980.4); short protein forms H486R.
Identifiers: ClinVar variation 1773072 (VCV001773072.9), dbSNP rs373425395, ClinGen allele CA5410973.

ClinVar aggregate classification (germline): Uncertain significance. Review status: criteria provided, multiple submitters, no conflicts (2 of 4 stars). 4 submissions from 4 submitters: Uncertain significance (4). Last evaluated 2026-03-02.

Conditions:
OPTN-related disorder. Also called: OPTN-related condition; OPTN-related disorders.
Amyotrophic lateral sclerosis type 12 (ALS12). Also called: AMYOTROPHIC LATERAL SCLEROSIS 12 WITH OR WITHOUT FRONTOTEMPORAL DEMENTIA. Identifiers: Orphanet 803, MedGen C3150692, MONDO:0013264, OMIM 613435.
Glaucoma 1, open angle, E. Identifiers: MedGen C1842026, MONDO:0007665.
Primary open angle glaucoma (POAG). Also called: OPTN-related open angle glaucoma. Identifiers: MedGen C0339573, MONDO:0100553, OMIM 137760.
Inborn genetic diseases. Identifiers: MedGen C0950123, MeSH D030342.

Allele frequency attached by ClinVar (database versions not stated): ExAC 0.00001; gnomAD exomes 0.00001; gnomAD 0.00007; ESP Exome Variant Server 0.00008; TOPMed 0.00008.
gnomAD v4.1: 22 of 1,613,682 alleles (0.0014%); highest among the groups gnomAD compares: African/African-American, 0.023%; no homozygotes.

Submissions (4):

PreventionGenetics, part of Exact Sciences
Classification: Uncertain significance for OPTN-related condition. Last evaluated: 2026-03-02. Review status: criteria provided, single submitter. Criteria: ACMG Guidelines, 2015. Collection method: clinical testing. Allele origin: germline.
Comment: The OPTN c.1457A>G variant is predicted to result in the amino acid substitution p.His486Arg. This variant has been reported in the heterozygous state in two individuals with open-angle glaucoma (Leung et al. 2003. PubMed ID: 12939304; Willoughby et al. 2004. PubMed ID: 15326130). Functional studies suggest expression of this variant affects the binding ability with interacting partners; however, the clinical relevance of these studies to support pathogenicity is not clear (Chalasani et al. 2009. PubMed ID: 19672125; Chi et al. 2010. PubMed ID: 20388642; Nagabhushana et al. 2011. PubMed ID: 21408173). This variant is reported in 0.024% of alleles in individuals of African descent in gnomAD. At this time, the clinical significance of this variant is uncertain due to the absence of conclusive functional and genetic evidence.

Labcorp Genetics (formerly Invitae), Labcorp
Classification: Uncertain significance for Primary open angle glaucoma; Glaucoma 1, open angle, E; Amyotrophic lateral sclerosis type 12. Last evaluated: 2025-07-23. Review status: criteria provided, single submitter. Criteria: Invitae Variant Classification Sherloc (09022015). Collection method: clinical testing. Allele origin: germline.
Comment: This sequence change replaces histidine, which is basic and polar, with arginine, which is basic and polar, at codon 486 of the OPTN protein (p.His486Arg). This variant is present in population databases (rs373425395, gnomAD 0.02%). This missense change has been observed in individuals with amyotrophic lateral sclerosis and/or primary open angle glaucoma (PMID: 12939304, 15326130; internal data). ClinVar contains an entry for this variant (Variation ID: 1773072). Invitae Evidence Modeling of protein sequence and biophysical properties (such as structural, functional, and spatial information, amino acid conservation, physicochemical variation, residue mobility, and thermodynamic stability) indicates that this missense variant is expected to disrupt OPTN protein function with a positive predictive value of 80%. Experimental studies are conflicting or provide insufficient evidence to determine the effect of this variant on OPTN function (PMID: 17389490, 19672125, 20388642, 28882891). In summary, the available evidence is currently insufficient to determine the role of this variant in disease. Therefore, it has been classified as a Variant of Uncertain Significance.

GeneDx
Classification: Uncertain significance. Last evaluated: 2022-12-02. Review status: criteria provided, single submitter. Criteria: GeneDx Variant Classification Process June 2021. Collection method: clinical testing. Allele origin: germline. Affected: yes.
Comment: Identified in patients with primary and juvenile open-angle glaucoma, however, only the OPTN gene was sequenced in these individuals (Leung et al., 2003; Willoughby et al., 2004); While some functional studies indicate that H486R may impact protein function and result in an interruption of protein interactions (Chalasani et al., 2009; Nagabhushana et al., 2011; Nakazawa et al., 2016; Tanishima et al., 2017), other studies show limited or no functional consequence (Anborgh et al., 2005; Sayyad et al., 2017; Chernyshova et al., 2019); In silico analysis supports that this missense variant has a deleterious effect on protein structure/function; This variant is associated with the following publications: (PMID: 29203899, 29951055, 33953963, 28882891, 21408173, 27552911, 16091361, 31469402, 20388642, 12939304, 15326130, 17563717, 25855473, 19672125)

Ambry Genetics
Classification: Uncertain significance for Inborn genetic diseases. Last evaluated: 2020-02-11. Review status: criteria provided, single submitter. Criteria: Ambry Variant Classification Scheme 2023. Collection method: clinical testing. Allele origin: germline.
Comment: The p.H486R variant (also known as c.1457A>G), located in coding exon 11 of the OPTN gene, results from an A to G substitution at nucleotide position 1457. The histidine at codon 486 is replaced by arginine, an amino acid with highly similar properties. This amino acid position is highly conserved in available vertebrate species. In addition, this alteration is predicted to be deleterious by in silico analysis. Based on the supporting evidence, this variant is unlikely to be causative of dominantly inherited amyotropic lateral sclerosis; however, its contribution to the development of recessively inherited amyotropic lateral sclerosis is uncertain. Since supporting evidence is limited at this time, the clinical significance of this alteration remains unclear.

Literature cited by the submitters: PubMed 12939304 (cited by Labcorp Genetics (formerly Invitae), Labcorp and Ambry Genetics); PubMed 15326130 (cited by Labcorp Genetics (formerly Invitae), Labcorp and Ambry Genetics); PubMed 17389490 (cited by Labcorp Genetics (formerly Invitae), Labcorp); PubMed 19672125 (cited by Labcorp Genetics (formerly Invitae), Labcorp); PubMed 20388642 (cited by Labcorp Genetics (formerly Invitae), Labcorp); PubMed 28882891 (cited by Labcorp Genetics (formerly Invitae), Labcorp); PubMed 21408173 (cited by Ambry Genetics).